The following is an entry in ClinVar:

ClinVar aggregate classification (germline): Uncertain significance. Review status: criteria provided, multiple submitters, no conflicts (2 of 4 stars). 2 submissions from 2 submitters: Uncertain significance (2). Last evaluated 2025-08-21.

Conditions:
Neuroblastoma, susceptibility to, 3. Also called: ALK-Related Neuroblastic Tumor Susceptibility. Identifiers: Orphanet 635, MedGen C2751681, MONDO:0013083, OMIM 613014.
Hereditary cancer-predisposing syndrome. Also called: Hereditary neoplastic syndrome; Neoplastic Syndromes, Hereditary; Tumor predisposition; Hereditary Cancer Syndrome. Identifiers: Orphanet 140162, MedGen C0027672, MeSH D009386, MONDO:0015356.

Allele frequency attached by ClinVar (database versions not stated): gnomAD exomes below 0.00001.
gnomAD v4.1: 2 of 1,614,118 alleles (0.00012%); highest among the groups gnomAD compares: Non-Finnish European, 0.00017%; no homozygotes.

Submissions (2):

Labcorp Genetics (formerly Invitae), Labcorp
Classification: Uncertain significance for Neuroblastoma, susceptibility to, 3. Last evaluated: 2025-08-21. Review status: criteria provided, single submitter. Criteria: Invitae Variant Classification Sherloc (09022015). Collection method: clinical testing. Allele origin: germline.
Comment: This sequence change replaces alanine, which is neutral and non-polar, with valine, which is neutral and non-polar, at codon 1289 of the ALK protein (p.Ala1289Val). This variant is present in population databases (no rsID available, gnomAD 0.0009%). This variant has not been reported in the literature in individuals affected with ALK-related conditions. ClinVar contains an entry for this variant (Variation ID: 470854). An algorithm developed to predict the effect of missense changes on protein structure and function (PolyPhen-2) suggests that this variant is likely to be disruptive. In summary, the available evidence is currently insufficient to determine the role of this variant in disease. Therefore, it has been classified as a Variant of Uncertain Significance.

Ambry Genetics
Classification: Uncertain significance for Hereditary cancer-predisposing syndrome. Last evaluated: 2025-03-27. Review status: criteria provided, single submitter. Criteria: Ambry Variant Classification Scheme 2023. Collection method: clinical testing. Allele origin: germline.
Comment: The p.A1289V variant (also known as c.3866C>T), located in coding exon 26 of the ALK gene, results from a C to T substitution at nucleotide position 3866. The alanine at codon 1289 is replaced by valine, an amino acid with similar properties. This amino acid position is conserved. In addition, the in silico prediction for this alteration is inconclusive. Based on the available evidence, the clinical significance of this variant remains unclear.

NM_004304.5(ALK):c.3866C>T (p.Ala1289Val)

Gene: ALK (ALK receptor tyrosine kinase; minus strand). Cytogenetic location: 2p23.2.
Variant type: single nucleotide variant.
Coding change: c.3866C>T on transcript NM_004304.5 (MANE Select); coding-DNA position 3866, C replaced by T.
Protein change: p.Ala1289Val; replaces alanine 1289 with valine.
Molecular consequence: missense variant.
Genome position (GRCh38, 1-based): chr2:29,207,243, G>A on the plus strand (C>T on the coding strand, the complement: ALK is on the minus strand). VCF-style: chr2-29207243-G-A. GRCh37 (hg19) VCF-style: chr2-29430109-G-A.
Other names: c.662C>T, p.Ala221Val (NM_001353765.2); short protein forms A1289V, A221V.
Identifiers: ClinVar variation 470854 (VCV000470854.7), dbSNP rs1173246434, ClinGen allele CA346468931.
Genomic context (GRCh38, chr2:29,207,243, plus strand): 5'-TTAGAAGTGAATATTCCTTCCATGAAGGCCTCTGGGGGCATCCACTTAACTGGCAGCATG[G>A]CACAGCCTCCCTTTCTATAGTAGCTCGCCCTGTGGGGAAGGAGAGGAAAACCAAACTAGG-3'
Protein context (NP_004295.2, residues 1279-1299): RASYYRKGGC[Ala1289Val]MLPVKWMPPE